The following is an entry in ClinVar:

NM_000429.3(MAT1A):c.839G>C (p.Gly280Ala)

Gene: MAT1A (methionine adenosyltransferase 1A; minus strand). Cytogenetic location: 10q22.3.
Variant type: single nucleotide variant.
Coding change: c.839G>C on transcript NM_000429.3 (MANE Select); coding-DNA position 839, G replaced by C.
Protein change: p.Gly280Ala; replaces glycine 280 with alanine.
Molecular consequence: missense variant.
Genome position (GRCh38, 1-based): chr10:80,275,129, C>G on the plus strand (G>C on the coding strand, the complement: MAT1A is on the minus strand). VCF-style: chr10-80275129-C-G. GRCh37 (hg19) VCF-style: chr10-82034885-C-G.
Other names: short protein forms G280A.
Identifiers: ClinVar variation 1496491 (VCV001496491.8), dbSNP rs1320353405, ClinGen allele CA377360766.

ClinVar aggregate classification (germline): Uncertain significance (1 of 4 stars; one submission).

Conditions:
Hepatic methionine adenosyltransferase deficiency. Also called: Methionine adenosyltransferase deficiency; Deficiency of methionine adenosyltransferase; MAT I/III DEFICIENCY; Isolated Persistent Hypermethioninemia. Identifiers: Orphanet 168598, MedGen C0268621, MeSH C564683, MONDO:0009607, OMIM 250850.

Submission:

Labcorp Genetics (formerly Invitae), Labcorp
Classification: Uncertain significance for Hepatic methionine adenosyltransferase deficiency. Last evaluated: 2020-11-18. Review status: criteria provided, single submitter. Criteria: Invitae Variant Classification Sherloc (09022015). Collection method: clinical testing. Allele origin: germline.
Comment: This sequence change replaces glycine with alanine at codon 280 of the MAT1A protein (p.Gly280Ala). The glycine residue is highly conserved and there is a small physicochemical difference between glycine and alanine. This variant is not present in population databases (ExAC no frequency). This variant has been observed in an individual with a positive newborn screening result for MAT1A-related disease (Invitae). Algorithms developed to predict the effect of missense changes on protein structure and function (SIFT, PolyPhen-2, Align-GVGD) all suggest that this variant is likely to be disruptive, but these predictions have not been confirmed by published functional studies and their clinical significance is uncertain. This variant disrupts the p.Gly280 amino acid residue in MAT1A. Other variant(s) that disrupt this residue have been observed in individuals with MAT1A-related conditions (PMID: 31061746, 26933843), which suggests that this may be a clinically significant amino acid residue. In summary, the available evidence is currently insufficient to determine the role of this variant in disease. Therefore, it has been classified as a Variant of Uncertain Significance.

Literature cited by the submitters: PubMed 31061746; PubMed 26933843.